The following is an entry in ClinVar:

NM_003638.3(ITGA8):c.2321T>A (p.Phe774Tyr)

Gene: ITGA8 (integrin subunit alpha 8; minus strand). Cytogenetic location: 10p13.
Variant type: single nucleotide variant.
Coding change: c.2321T>A on transcript NM_003638.3 (MANE Select); coding-DNA position 2321, T replaced by A.
Protein change: p.Phe774Tyr; replaces phenylalanine 774 with tyrosine.
Molecular consequence: missense variant.
Genome position (GRCh38, 1-based): chr10:15,586,635, A>T on the plus strand (T>A on the coding strand, the complement: ITGA8 is on the minus strand). VCF-style: chr10-15586635-A-T. GRCh37 (hg19) VCF-style: chr10-15628634-A-T.
Other names: c.2276T>A, p.Phe759Tyr (NM_001291494.2); c.2321T>A (NM_003638.1); short protein forms F759Y, F774Y.
Identifiers: ClinVar variation 720432 (VCV000720432.9), dbSNP rs147784534, ClinGen allele CA5419888.
Genomic context (GRCh38, chr10:15,586,635, plus strand): 5'-ACTACTTACCCTCTTATTTCCACCTGCGCTACAGCAGTGATGTTGATTTGCAGGCTCACA[A>T]AATTGCTGTCTGGATTGTCCTTGTTGGAACTAAAACACAAGGACATGTGATTTAAATCTA-3'
Protein context (NP_003629.2, residues 764-784): SSNKDNPDSN[Phe774Tyr]VSLQINITAV

ClinVar aggregate classification (germline): Conflicting classifications of pathogenicity. Review status: criteria provided, conflicting classifications (1 of 4 stars). 3 submissions from 3 submitters: Uncertain significance (1); Likely benign (2). Last evaluated 2025-12-10.

Conditions:
ITGA8-related disorder. Also called: ITGA8-related condition.
Inborn genetic diseases. Identifiers: MedGen C0950123, MeSH D030342.

Allele frequency attached by ClinVar (database versions not stated): gnomAD exomes 0.00014 and 0.00030; ExAC 0.00031; 1000 Genomes Project 30x 0.00047; 1000 Genomes Project 0.00060; ESP Exome Variant Server 0.00069; gnomAD 0.00071 and 0.00076; TOPMed 0.00084.
gnomAD v4.1: 324 of 1,613,204 alleles (0.02%); highest among the groups gnomAD compares: African/African-American, 0.15%; 1 homozygote.

Submissions (3):

Labcorp Genetics (formerly Invitae), Labcorp
Classification: Likely benign. Last evaluated: 2025-12-10. Review status: criteria provided, single submitter. Criteria: Invitae Variant Classification Sherloc (09022015). Collection method: clinical testing. Allele origin: germline.

PreventionGenetics, part of Exact Sciences
Classification: Likely benign for ITGA8-related condition. Last evaluated: 2024-11-04. Review status: criteria provided, single submitter. Criteria: ACMG Guidelines, 2015. Collection method: clinical testing. Allele origin: germline.
Comment: This variant is classified as likely benign based on ACMG/AMP sequence variant interpretation guidelines (Richards et al. 2015 PMID: 25741868, with internal and published modifications).

Ambry Genetics
Classification: Uncertain significance for Inborn genetic diseases. Last evaluated: 2024-06-10. Review status: criteria provided, single submitter. Criteria: Ambry Variant Classification Scheme 2023. Collection method: clinical testing. Allele origin: germline.